The following is an entry in ClinVar:

NM_000053.4(ATP7B):c.3061-4G>T

Gene: ATP7B (ATPase copper transporting beta; minus strand). Cytogenetic location: 13q14.3.
Variant type: single nucleotide variant.
Coding change: c.3061-4G>T on transcript NM_000053.4 (MANE Select); 4 bases into the intron before coding-DNA position 3061, G replaced by T.
Molecular consequence: intron variant.
Genome position (GRCh38, 1-based): chr13:51,944,295, C>A on the plus strand (G>T on the coding strand, the complement: ATP7B is on the minus strand). VCF-style: chr13-51944295-C-A. GRCh37 (hg19) VCF-style: chr13-52518431-C-A.
Other names: c.2575-4G>T (NM_001406541.1, NM_001406542.1); c.2809-4G>T (NM_001406531.1, NM_001406532.1, NM_001330579.2); c.2827-4G>T (NM_001406527.1, NM_001406528.1, NM_001406538.1 and 1 more transcripts); c.2722-4G>T (NM_001406537.1); c.2917-4G>T (NM_001406521.1, NM_001406522.1, NM_001406520.1); c.3061-10G>T (NM_001406513.1); c.3061-4G>T (NM_001406511.1, NM_001406512.1, NM_001406526.1); c.2713-4G>T (NM_001406543.1); and 19 more.
Identifiers: ClinVar variation 2867531 (VCV002867531.4), dbSNP rs2547629444, ClinGen allele CA2739277657.
Genomic context (GRCh38, chr13:51,944,295, plus strand): 5'-GACCCTGGGGACGCCATGGGTAATGGTGCCAGTCTTGTCAAACATCACAGTCTTTATCTG[C>A]CAAAAACAACCACAACTCACTGACCACAATACAGATGGAGGGGCTTCCATAGTCACACTC-3'

ClinVar aggregate classification (germline): Likely benign. Review status: criteria provided, multiple submitters, no conflicts (2 of 4 stars). 2 submissions from 2 submitters: Likely benign (2). Last evaluated 2023-08-23.

Conditions:
Wilson disease (WND). Also called: Wilson's disease. Identifiers: Orphanet 905, MedGen C0019202, MONDO:0010200, OMIM 277900. Disease mechanism: loss of function.

Submissions (2):

All of Us Research Program, National Institutes of Health
Classification: Likely benign for Wilson disease. Last evaluated: 2023-08-23. Review status: criteria provided, single submitter. Criteria: ACMG Guidelines, 2015. Collection method: clinical testing. Allele origin: germline. Inheritance: Autosomal recessive inheritance. Observed: 1 variant allele, 1 heterozygote.
Comment: This study involves interpretation of variants in research participants for the purpose of population health screening. Participant phenotype was not available at the time of variant classification. Additional details can be found in publication PMID: 35346344, PMCID: PMC8962531

Labcorp Genetics (formerly Invitae), Labcorp
Classification: Likely benign for Wilson disease. Last evaluated: 2023-01-30. Review status: criteria provided, single submitter. Criteria: Invitae Variant Classification Sherloc (09022015). Collection method: clinical testing. Allele origin: germline.